The following is an entry in ClinVar:

NM_033380.3(COL4A5):c.271A>G (p.Ile91Val)

Gene: COL4A5 (collagen type IV alpha 5 chain; plus strand). Cytogenetic location: Xq22.3.
Variant type: single nucleotide variant.
Coding change: c.271A>G on transcript NM_033380.3 (MANE Select); coding-DNA position 271, A replaced by G.
Protein change: p.Ile91Val; replaces isoleucine 91 with valine.
Molecular consequence: missense variant.
Genome position (GRCh38, 1-based): chrX:108,563,921, A>G. VCF-style: chrX-108563921-A-G. GRCh37 (hg19) VCF-style: chrX-107807151-A-G.
Other names: c.271A>G (NM_033380.1); c.271A>G, p.Ile91Val (NM_000495.5); short protein forms I91V.
Identifiers: ClinVar variation 1428941 (VCV001428941.8), dbSNP rs919113147, ClinGen allele CA334178027.
Genomic context (GRCh38, chrX:108,563,921, plus strand): 5'-TAAAAATATTGCATTTTTCAGGGTGATGATGGAATTCCAGGGCCACCAGGACCAAAAGGA[A>G]TCAGAGTAAGTAGTATTTTCTCTATATCAAATACTTTGTTGGTGGAAACAGATAGAGAAC-3'
Protein context (NP_203699.1, residues 81-101): GIPGPPGPKG[Ile91Val]RGPPGLPGFP

ClinVar aggregate classification (germline): Uncertain significance. Review status: criteria provided, multiple submitters, no conflicts (2 of 4 stars). 3 submissions from 3 submitters: Uncertain significance (3). Last evaluated 2025-07-14.

Conditions:
X-linked Alport syndrome (ATS1). Also called: COL4A5-Related Nephropathy; NEPHROPATHY AND DEAFNESS, X-LINKED. Identifiers: Orphanet 63, Orphanet 88917, MedGen C4746986, MONDO:0010520, OMIM 301050.

Allele frequency attached by ClinVar (database versions not stated): gnomAD exomes below 0.00001; TOPMed 0.00001; gnomAD 0.00004.
gnomAD v4.1: 6 of 1,196,594 alleles (0.0005%); highest among the groups gnomAD compares: African/African-American, 0.007%; no homozygotes.

Submissions (3):

Labcorp Genetics (formerly Invitae), Labcorp
Classification: Uncertain significance. Last evaluated: 2025-07-14. Review status: criteria provided, single submitter. Criteria: Invitae Variant Classification Sherloc (09022015). Collection method: clinical testing. Allele origin: germline.
Comment: This sequence change replaces isoleucine, which is neutral and non-polar, with valine, which is neutral and non-polar, at codon 91 of the COL4A5 protein (p.Ile91Val). This variant is not present in population databases (gnomAD no frequency). This variant has not been reported in the literature in individuals affected with COL4A5-related conditions. ClinVar contains an entry for this variant (Variation ID: 1428941). Invitae Evidence Modeling of protein sequence and biophysical properties (such as structural, functional, and spatial information, amino acid conservation, physicochemical variation, residue mobility, and thermodynamic stability) indicates that this missense variant is not expected to disrupt COL4A5 protein function with a negative predictive value of 95%. In summary, the available evidence is currently insufficient to determine the role of this variant in disease. Therefore, it has been classified as a Variant of Uncertain Significance.

Fulgent Genetics
Classification: Uncertain significance for X-linked Alport syndrome. Last evaluated: 2024-03-25. Review status: criteria provided, single submitter. Criteria: ACMG Guidelines, 2015. Collection method: clinical testing. Allele origin: germline.

GeneDx
Classification: Uncertain significance. Last evaluated: 2023-06-06. Review status: criteria provided, single submitter. Criteria: GeneDx Variant Classification Process June 2021. Collection method: clinical testing. Allele origin: germline. Affected: yes.
Comment: Not observed at significant frequency in large population cohorts (gnomAD); In silico analysis supports that this missense variant does not alter protein structure/function; Occurs in the triple helical domain at the X position in the canonical Gly-X-Y repeat; although this variant may have an effect on normal protein folding and function, missense substitution at the X position is not a common mechanism of disease; Has not been previously published as pathogenic or benign to our knowledge